The following is an entry in ClinVar:

NM_000218.3(KCNQ1):c.185C>T (p.Ala62Val)

Gene: KCNQ1 (potassium voltage-gated channel subfamily Q member 1; plus strand). Cytogenetic location: 11p15.5.
Variant type: single nucleotide variant.
Coding change: c.185C>T on transcript NM_000218.3 (MANE Select); coding-DNA position 185, C replaced by T.
Protein change: p.Ala62Val; replaces alanine 62 with valine.
Molecular consequence: missense variant. On other transcripts: 5 prime UTR variant (1).
Genome position (GRCh38, 1-based): chr11:2,445,283, C>T. VCF-style: chr11-2445283-C-T. GRCh37 (hg19) VCF-style: chr11-2466513-C-T.
Other names: c.185C>T, p.Ala62Val (NM_001406836.1, NM_001406838.1); c.-178C>T (NM_001406837.1); short protein forms A62V.
Identifiers: ClinVar variation 5023023 (VCV005023023.1).

ClinVar aggregate classification (germline): Uncertain significance (1 of 4 stars; one submission).

Conditions:
Cardiovascular phenotype. Identifiers: MedGen CN230736.

gnomAD v4.1: 4 of 1,314,100 alleles (0.0003%); highest among the groups gnomAD compares: Non-Finnish European, 0.00039%; no homozygotes.

Submission:

Ambry Genetics
Classification: Uncertain significance for Cardiovascular phenotype. Last evaluated: 2026-07-07. Review status: criteria provided, single submitter. Criteria: Ambry Variant Classification Scheme 2023. Collection method: clinical testing. Allele origin: germline.
Comment: The p.A62V variant (also known as c.185C>T), located in coding exon 1 of the KCNQ1 gene, results from a C to T substitution at nucleotide position 185. The alanine at codon 62 is replaced by valine, an amino acid with similar properties. This amino acid position is conserved. In addition, this alteration is predicted to be tolerated by in silico analysis. Based on the available evidence, the clinical significance of this variant remains unclear.